The following is an entry in ClinVar:

NM_015160.3(PMPCA):c.1396T>C (p.Cys466Arg)

Gene: PMPCA (peptidase, mitochondrial processing subunit alpha; plus strand). Cytogenetic location: 9q34.3.
Variant type: single nucleotide variant.
Coding change: c.1396T>C on transcript NM_015160.3 (MANE Select); coding-DNA position 1396, T replaced by C.
Protein change: p.Cys466Arg; replaces cysteine 466 with arginine.
Molecular consequence: missense variant.
Genome position (GRCh38, 1-based): chr9:136,421,964, T>C. VCF-style: chr9-136421964-T-C. GRCh37 (hg19) VCF-style: chr9-139316416-T-C.
Other names: c.1003T>C, p.Cys335Arg (NM_001282944.2); c.1096T>C, p.Cys366Arg (NM_001282946.2); short protein forms C335R, C366R, C466R.
Identifiers: ClinVar variation 4799470 (VCV004799470.1).

ClinVar aggregate classification (germline): Uncertain significance (1 of 4 stars; one submission).

Submission:

Labcorp Genetics (formerly Invitae), Labcorp
Classification: Uncertain significance. Last evaluated: 2025-08-15. Review status: criteria provided, single submitter. Criteria: Invitae Variant Classification Sherloc (09022015). Collection method: clinical testing. Allele origin: germline.
Comment: This sequence change replaces cysteine, which is neutral and slightly polar, with arginine, which is basic and polar, at codon 466 of the PMPCA protein (p.Cys466Arg). This variant is present in population databases (no rsID available, gnomAD 0.003%). This variant has not been reported in the literature in individuals affected with PMPCA-related conditions. Invitae Evidence Modeling of protein sequence and biophysical properties (such as structural, functional, and spatial information, amino acid conservation, physicochemical variation, residue mobility, and thermodynamic stability) indicates that this missense variant is not expected to disrupt PMPCA protein function with a negative predictive value of 80%. In summary, the available evidence is currently insufficient to determine the role of this variant in disease. Therefore, it has been classified as a Variant of Uncertain Significance.